The following is an entry in ClinVar:

ClinVar aggregate classification (germline): Uncertain significance (1 of 4 stars; one submission).

gnomAD v4.1: 4 of 1,614,114 alleles (0.00025%); highest among the groups gnomAD compares: Admixed American, 0.0033%; no homozygotes.

Submission:

CeGaT Center for Human Genetics Tuebingen
Classification: Uncertain significance. Last evaluated: 2026-03-01. Review status: criteria provided, single submitter. Criteria: CeGaT Center For Human Genetics Tuebingen Variant Classification Criteria Version 2. Collection method: clinical testing. Allele origin: germline. Affected: yes. Observed: 1 variant allele.
Comment: SPG11: PM2, BP4

NM_025137.4(SPG11):c.2773A>G (p.Ile925Val)

Gene: SPG11 (SPG11 vesicle trafficking associated, spatacsin; minus strand). Cytogenetic location: 15q21.1.
Variant type: single nucleotide variant.
Coding change: c.2773A>G on transcript NM_025137.4 (MANE Select); coding-DNA position 2773, A replaced by G.
Protein change: p.Ile925Val; replaces isoleucine 925 with valine.
Molecular consequence: missense variant.
Genome position (GRCh38, 1-based): chr15:44,620,251, T>C on the plus strand (A>G on the coding strand, the complement: SPG11 is on the minus strand). VCF-style: chr15-44620251-T-C. GRCh37 (hg19) VCF-style: chr15-44912449-T-C.
Other names: c.2773A>G, p.Ile925Val (NM_001160227.2, NM_001411132.1); short protein forms I925V.
Identifiers: ClinVar variation 4821983 (VCV004821983.4).